The following is an entry in ClinVar:

ClinVar aggregate classification (germline): Likely benign. Review status: criteria provided, single submitter (1 of 4 stars). 2 submissions from 2 submitters: Likely benign (1). 1 of the submissions does not count toward it. Last evaluated 2023-03-13.

Conditions:
Early-infantile DEE. Also called: Early infantile epileptic encephalopathy; Ohtahara syndrome; Early infantile epileptic encephalopathy with suppression bursts. Identifiers: Orphanet 1934, MedGen C0393706, MONDO:0800491.
Developmental and epileptic encephalopathy, 7 (DEE7). Also called: KCNQ2-Related Neonatal Epileptic Encephalopathy; Early infantile epileptic encephalopathy 7; KCNQ2-Related Neonatal-Onset Developmental and Epileptic Encephalopathy (NEO-DEE). Identifiers: Orphanet 439218, MedGen C3150986, MONDO:0013387, OMIM 613720.

Submissions (2):

Labcorp Genetics (formerly Invitae), Labcorp
Classification: Likely benign for Early-infantile DEE. Last evaluated: 2023-03-13. Review status: criteria provided, single submitter. Criteria: Invitae Variant Classification Sherloc (09022015). Collection method: clinical testing. Allele origin: germline.

GeneReviews
No classification provided. Condition: Developmental and epileptic encephalopathy, 7. Review status: no classification provided. Collection method: literature only. Allele origin: germline. Affected: yes. Not counted in ClinVar's aggregate classification.
Comment: EE (epileptic encephalopathy)

Literature cited by the submitters: PubMed 25959266 (cited by GeneReviews); NCBI Bookshelf NBK32534 (cited by GeneReviews).

NM_172107.4(KCNQ2):c.1053C>T (p.Leu351=)

Gene: KCNQ2 (potassium voltage-gated channel subfamily Q member 2; minus strand). Cytogenetic location: 20q13.33.
Variant type: single nucleotide variant.
Coding change: c.1053C>T on transcript NM_172107.4 (MANE Select); coding-DNA position 1053, C replaced by T.
Protein change: p.Leu351=; no amino-acid change (leucine 351 retained).
Molecular consequence: synonymous variant.
Genome position (GRCh38, 1-based): chr20:63,433,874, G>A on the plus strand (C>T on the coding strand, the complement: KCNQ2 is on the minus strand). VCF-style: chr20-63433874-G-A. GRCh37 (hg19) VCF-style: chr20-62065227-G-A.
Other names: c.1053C>T, p.Leu351= (NM_004518.6, NM_172106.3, NM_172108.5 and 1 more transcripts).
Identifiers: ClinVar variation 369780 (VCV000369780.5), dbSNP rs1030017847, ClinGen allele CA10654799.
Genomic context (GRCh38, chr20:63,433,874, plus strand): 5'-CATGGGCACGGTGACCGTTCGCTCGTAGTACTGCCACGTGGAGTGCAGGTCTGTGCGCGA[G>A]AGGTTGGTGGCGTAGAATCTCCAGGCCGACTGCGGAGGGAAAGACAAGGCAGTTGGCGAG-3'
Protein context (NP_742105.1, residues 341-361): QSAWRFYATN[Leu351=]SRTDLHSTWQ